The following is an entry in ClinVar:

NM_002049.4(GATA1):c.971C>T (p.Thr324Ile)

Gene: GATA1 (GATA binding protein 1; plus strand). Cytogenetic location: Xp11.23.
Variant type: single nucleotide variant.
Coding change: c.971C>T on transcript NM_002049.4 (MANE Select); coding-DNA position 971, C replaced by T.
Protein change: p.Thr324Ile; replaces threonine 324 with isoleucine.
Molecular consequence: missense variant.
Genome position (GRCh38, 1-based): chrX:48,793,893, C>T. VCF-style: chrX-48793893-C-T. GRCh37 (hg19) VCF-style: chrX-48652300-C-T.
Other names: short protein forms T324I.
Identifiers: ClinVar variation 2202608 (VCV002202608.5), dbSNP rs1557020568, ClinGen allele CA412871675.
Genomic context (GRCh38, chrX:48,793,893, plus strand): 5'-CTCGAAACCGCAAGGCATCTGGAAAAGGGAAAAAGAAACGGGGCTCCAGTCTGGGAGGCA[C>T]AGGAGCAGCCGAAGGACCAGCTGGTGGCTTTATGGTGGTGGCTGGGGGCAGCGGTAGCGG-3'
Protein context (NP_002040.1, residues 314-334): KKKRGSSLGG[Thr324Ile]GAAEGPAGGF

ClinVar aggregate classification (germline): Uncertain significance. Review status: criteria provided, multiple submitters, no conflicts (2 of 4 stars). 2 submissions from 2 submitters: Uncertain significance (2). Last evaluated 2026-06-23.

Conditions:
GATA binding protein 1 related thrombocytopenia with dyserythropoiesis. Also called: GATA1-Related Cytopenia; GATA1-Related X-Linked Cytopenia. Identifiers: MedGen C1845837, MONDO:0100089.
Diamond-Blackfan anemia. Also called: Blackfan Diamond syndrome; Aregenerative anemia chronic congenital; Red cell aplasia, pure hereditary; Congenital hypoplastic anemia; Aase syndrome. Identifiers: Orphanet 124, MedGen C1260899, MeSH D029503, MONDO:0015253, HP:0004810.
Inborn genetic diseases. Identifiers: MedGen C0950123, MeSH D030342.

Allele frequency attached by ClinVar (database versions not stated): gnomAD exomes below 0.00001; TOPMed 0.00001.
gnomAD v4.1: 2 of 1,206,845 alleles (0.00017%); highest among the groups gnomAD compares: Admixed American, 0.0044%; no homozygotes.

Submissions (2):

Ambry Genetics
Classification: Uncertain significance for Inborn genetic diseases. Last evaluated: 2026-06-23. Review status: criteria provided, single submitter. Criteria: Ambry Variant Classification Scheme 2023. Collection method: clinical testing. Allele origin: germline.

Labcorp Genetics (formerly Invitae), Labcorp
Classification: Uncertain significance for GATA binding protein 1 related thrombocytopenia with dyserythropoiesis; Diamond-Blackfan anemia. Last evaluated: 2022-09-30. Review status: criteria provided, single submitter. Criteria: Invitae Variant Classification Sherloc (09022015). Collection method: clinical testing. Allele origin: germline.
Comment: In summary, the available evidence is currently insufficient to determine the role of this variant in disease. Therefore, it has been classified as a Variant of Uncertain Significance. Advanced modeling of protein sequence and biophysical properties (such as structural, functional, and spatial information, amino acid conservation, physicochemical variation, residue mobility, and thermodynamic stability) performed at Invitae indicates that this missense variant is not expected to disrupt GATA1 protein function. This variant has not been reported in the literature in individuals affected with GATA1-related conditions. The frequency data for this variant in the population databases is considered unreliable, as metrics indicate poor data quality at this position in the gnomAD database. This sequence change replaces threonine, which is neutral and polar, with isoleucine, which is neutral and non-polar, at codon 324 of the GATA1 protein (p.Thr324Ile).